The following is an entry in ClinVar:

NM_000135.4(FANCA):c.3625G>C (p.Asp1209His)

Gene: FANCA (FA complementation group A; minus strand). Cytogenetic location: 16q24.3.
Variant type: single nucleotide variant.
Coding change: c.3625G>C on transcript NM_000135.4 (MANE Select); coding-DNA position 3625, G replaced by C.
Protein change: p.Asp1209His; replaces aspartic acid 1209 with histidine.
Molecular consequence: missense variant.
Genome position (GRCh38, 1-based): chr16:89,744,960, C>G on the plus strand (G>C on the coding strand, the complement: FANCA is on the minus strand). VCF-style: chr16-89744960-C-G. GRCh37 (hg19) VCF-style: chr16-89811368-C-G.
Other names: c.3625G>C, p.Asp1209His (NM_001286167.3); short protein forms D1209H.
Identifiers: ClinVar variation 4619318 (VCV004619318.1).

ClinVar aggregate classification (germline): Uncertain significance (1 of 4 stars; one submission).

Conditions:
Inborn genetic diseases. Identifiers: MedGen C0950123, MeSH D030342.

Submission:

Ambry Genetics
Classification: Uncertain significance for Inborn genetic diseases. Last evaluated: 2025-12-12. Review status: criteria provided, single submitter. Criteria: Ambry Variant Classification Scheme 2023. Collection method: clinical testing. Allele origin: germline.
Comment: The p.D1209H variant (also known as c.3625G>C), located in coding exon 36 of the FANCA gene, results from a G to C substitution at nucleotide position 3625. The aspartic acid at codon 1209 is replaced by histidine, an amino acid with similar properties. This amino acid position is conserved. In addition, this alteration is predicted to be tolerated by in silico analysis. Based on the available evidence, the clinical significance of this variant remains unclear.